The following is an entry in ClinVar:

NM_001042492.3(NF1):c.4955_4956dup (p.Arg1653fs)

Gene: NF1 (neurofibromin 1; plus strand). Cytogenetic location: 17q11.2.
Variant type: Duplication.
Coding change: c.4955_4956dup on transcript NM_001042492.3 (MANE Select); coding-DNA positions 4955 to 4956, 2 bases duplicated (AT; older notation c.4955_4956dupAT).
Protein change: p.Arg1653fs; shifts the reading frame from arginine 1653.
Molecular consequence: frameshift variant.
Genome position (GRCh38, 1-based): chr17:31,325,939-31,325,940, AT duplicated. VCF-style (leftmost placement, unchanged base first): chr17-31325938-A-AAT. GRCh37 (hg19) VCF-style: chr17-29652956-A-AAT.
Other names: c.4892_4893dup, p.Arg1632fs (NM_000267.4); c.4891_4892insAT (NM_000267.3); short protein forms R1632fs, R1653fs.
Identifiers: ClinVar variation 4857313 (VCV004857313.1).

ClinVar aggregate classification (germline): Likely pathogenic (1 of 4 stars; one submission).

Conditions:
Neurofibromatosis, type 1 (NF1). Also called: NEUROFIBROMATOSIS, TYPE I, SOMATIC; Peripheral type neurofibromatosis; Neurofibromatosis, type I; VON RECKLINGHAUSEN DISEASE. Identifiers: Orphanet 636, MedGen C0027831, MONDO:0018975, OMIM 162200. Disease mechanism: loss of function.

Submission:

The Shared Resource Centre "Genome", Research Centre for Medical Genetics
Classification: Likely pathogenic for Neurofibromatosis, type 1. Last evaluated: 2026-06-25. Review status: criteria provided, single submitter. Criteria: ACMG Guidelines, 2015. Collection method: clinical testing. Allele origin: germline. Inheritance: Autosomal dominant inheritance. Affected: yes. Observed: 1 variant allele, 1 heterozygote.
Comment: Classified as Likely pathogenic according to ACMG/AMP 2015 criteria (Richards et al., 2015): PVS1, PM2. Variant identified in a Russian cohort referred for suspected Noonan syndrome or Noonan-like phenotypes; not previously reported in HGMD Professional or ClinVar at the time of analysis.